The following is an entry in ClinVar:

ClinVar aggregate classification (germline): Uncertain significance (1 of 4 stars; one submission).

gnomAD v4.1: 1 of 1,614,050 alleles (0.000062%); highest among the groups gnomAD compares: East Asian, 0.0022%; no homozygotes.

Submission:

Labcorp Genetics (formerly Invitae), Labcorp
Classification: Uncertain significance. Last evaluated: 2022-03-04. Review status: criteria provided, single submitter. Criteria: Invitae Variant Classification Sherloc (09022015). Collection method: clinical testing. Allele origin: germline.
Comment: In summary, the available evidence is currently insufficient to determine the role of this variant in disease. Therefore, it has been classified as a Variant of Uncertain Significance. Advanced modeling of protein sequence and biophysical properties (such as structural, functional, and spatial information, amino acid conservation, physicochemical variation, residue mobility, and thermodynamic stability) performed at Invitae indicates that this missense variant is not expected to disrupt PCDH12 protein function. This variant has not been reported in the literature in individuals affected with PCDH12-related conditions. This variant is present in population databases (no rsID available, gnomAD 0.006%). This sequence change replaces glutamic acid, which is acidic and polar, with glutamine, which is neutral and polar, at codon 1122 of the PCDH12 protein (p.Glu1122Gln).

NM_016580.4(PCDH12):c.3364G>C (p.Glu1122Gln)

Gene: PCDH12 (protocadherin 12; minus strand). Cytogenetic location: 5q31.3.
Variant type: single nucleotide variant.
Coding change: c.3364G>C on transcript NM_016580.4 (MANE Select); coding-DNA position 3364, G replaced by C.
Protein change: p.Glu1122Gln; replaces glutamic acid 1122 with glutamine.
Molecular consequence: missense variant.
Genome position (GRCh38, 1-based): chr5:141,945,572, C>G on the plus strand (G>C on the coding strand, the complement: PCDH12 is on the minus strand). VCF-style: chr5-141945572-C-G. GRCh37 (hg19) VCF-style: chr5-141325137-C-G.
Other names: short protein forms E1122Q.
Identifiers: ClinVar variation 2061058 (VCV002061058.4), dbSNP rs1350132011, ClinGen allele CA361563705.